The following is an entry in ClinVar:

ClinVar aggregate classification (germline): Pathogenic (1 of 4 stars; one submission).

gnomAD v4.1: 2 of 1,613,778 alleles (0.00012%); highest among the groups gnomAD compares: Non-Finnish European, 0.000085%; no homozygotes.

Submission:

Labcorp Genetics (formerly Invitae), Labcorp
Classification: Pathogenic. Last evaluated: 2023-04-08. Review status: criteria provided, single submitter. Criteria: Invitae Variant Classification Sherloc (09022015). Collection method: clinical testing. Allele origin: germline.
Comment: For these reasons, this variant has been classified as Pathogenic. This variant has not been reported in the literature in individuals affected with BMP1-related conditions. This variant is not present in population databases (gnomAD no frequency). This sequence change creates a premature translational stop signal (p.Tyr611*) in the BMP1 gene. It is expected to result in an absent or disrupted protein product. Loss-of-function variants in BMP1 are known to be pathogenic (PMID: 25656619, 27576954, 28257626).

Literature cited by the submitters: PubMed 25656619; PubMed 27576954; PubMed 28257626.

NM_006129.5(BMP1):c.1833C>A (p.Tyr611Ter)

Gene: BMP1 (bone morphogenetic protein 1; plus strand). Cytogenetic location: 8p21.3.
Variant type: single nucleotide variant.
Coding change: c.1833C>A on transcript NM_006129.5 (MANE Select); coding-DNA position 1833, C replaced by A.
Protein change: p.Tyr611Ter; replaces tyrosine 611 with a stop codon.
Molecular consequence: nonsense. On other transcripts: non-coding transcript variant (2).
Genome position (GRCh38, 1-based): chr8:22,196,747, C>A. VCF-style: chr8-22196747-C-A. GRCh37 (hg19) VCF-style: chr8-22054260-C-A.
Other names: c.1833C>A, p.Tyr611Ter (NM_001199.4); short protein forms Y611*.
Identifiers: ClinVar variation 2979051 (VCV002979051.3), dbSNP rs1035427476, ClinGen allele CA370498310.